The following is an entry in ClinVar:

NM_001927.4(DES):c.58G>T (p.Gly20Trp)

Gene: DES (desmin; plus strand). Cytogenetic location: 2q35.
Variant type: single nucleotide variant.
Coding change: c.58G>T on transcript NM_001927.4 (MANE Select); coding-DNA position 58, G replaced by T.
Protein change: p.Gly20Trp; replaces glycine 20 with tryptophan.
Molecular consequence: missense variant.
Genome position (GRCh38, 1-based): chr2:219,418,520, G>T. VCF-style: chr2-219418520-G-T. GRCh37 (hg19) VCF-style: chr2-220283242-G-T.
Other names: c.58G>T, p.Gly20Trp (NM_001382708.1, NM_001382709.1, NM_001382710.1 and 3 more transcripts); short protein forms G20W.
Identifiers: ClinVar variation 4784785 (VCV004784785.1).

ClinVar aggregate classification (germline): Uncertain significance (1 of 4 stars; one submission).

Conditions:
Desmin-related myofibrillar myopathy (MFM1). Also called: Desminopathy; Desmin related myopathy (former name); Desmin storage myopathy (former name); MYOFIBRILLAR MYOPATHY WITH ARRHYTHMOGENIC RIGHT VENTRICULAR CARDIOMYOPATHY; DESMIN-RELATED MYOPATHY WITH ARRHYTHMOGENIC RIGHT VENTRICULAR CARDIOMYOPATHY; Myofibrillar myopathy 1. Identifiers: Orphanet 363543, Orphanet 98909, MedGen C1832370, MONDO:0011076, OMIM 601419.

gnomAD v4.1: 2 of 1,603,152 alleles (0.00012%); highest among the groups gnomAD compares: Non-Finnish European, 0.00017%; no homozygotes.

Submission:

Labcorp Genetics (formerly Invitae), Labcorp
Classification: Uncertain significance for Desmin-related myofibrillar myopathy. Last evaluated: 2025-09-07. Review status: criteria provided, single submitter. Criteria: Invitae Variant Classification Sherloc (09022015). Collection method: clinical testing. Allele origin: germline.
Comment: This sequence change replaces glycine, which is neutral and non-polar, with tryptophan, which is neutral and slightly polar, at codon 20 of the DES protein (p.Gly20Trp). This variant is not present in population databases (gnomAD no frequency). This variant has not been reported in the literature in individuals affected with DES-related conditions. Invitae Evidence Modeling of protein sequence and biophysical properties (such as structural, functional, and spatial information, amino acid conservation, physicochemical variation, residue mobility, and thermodynamic stability) indicates that this missense variant is expected to disrupt DES protein function with a positive predictive value of 95%. In summary, the available evidence is currently insufficient to determine the role of this variant in disease. Therefore, it has been classified as a Variant of Uncertain Significance.